The following is an entry in ClinVar:

ClinVar aggregate classification (germline): Uncertain significance (1 of 4 stars; one submission).

Conditions:
Agammaglobulinemia 4, autosomal recessive (AGM4). Also called: B cell linker protein deficiency; AGAMMAGLOBULINEMIA, AUTOSOMAL RECESSIVE, DUE TO BLNK DEFECT. Identifiers: MedGen C3150752, MONDO:0013289, OMIM 613502.

Submission:

Labcorp Genetics (formerly Invitae), Labcorp
Classification: Uncertain significance for Agammaglobulinemia 4, autosomal recessive. Last evaluated: 2023-04-24. Review status: criteria provided, single submitter. Criteria: Invitae Variant Classification Sherloc (09022015). Collection method: clinical testing. Allele origin: germline.
Comment: In summary, the available evidence is currently insufficient to determine the role of this variant in disease. Therefore, it has been classified as a Variant of Uncertain Significance. Advanced modeling of protein sequence and biophysical properties (such as structural, functional, and spatial information, amino acid conservation, physicochemical variation, residue mobility, and thermodynamic stability) performed at Invitae indicates that this missense variant is not expected to disrupt BLNK protein function. ClinVar contains an entry for this variant (Variation ID: 1465750). This variant has not been reported in the literature in individuals affected with BLNK-related conditions. This variant is not present in population databases (gnomAD no frequency). This sequence change replaces phenylalanine, which is neutral and non-polar, with cysteine, which is neutral and slightly polar, at codon 132 of the BLNK protein (p.Phe132Cys).

NM_013314.4(BLNK):c.395T>G (p.Phe132Cys)

Gene: BLNK (B cell linker; minus strand). Cytogenetic location: 10q24.1.
Variant type: single nucleotide variant.
Coding change: c.395T>G on transcript NM_013314.4 (MANE Select); coding-DNA position 395, T replaced by G.
Protein change: p.Phe132Cys; replaces phenylalanine 132 with cysteine.
Molecular consequence: missense variant. On other transcripts: non-coding transcript variant (1), intron variant (1).
Genome position (GRCh38, 1-based): chr10:96,223,956, A>C on the plus strand (T>G on the coding strand, the complement: BLNK is on the minus strand). VCF-style: chr10-96223956-A-C. GRCh37 (hg19) VCF-style: chr10-97983712-A-C.
Other names: c.395T>G, p.Phe132Cys (NM_001114094.2, NM_001258440.2, NM_001258441.2); c.349+3466T>G (NM_001258442.2); short protein forms F132C.
Identifiers: ClinVar variation 1465750 (VCV001465750.8), dbSNP rs2134020915, ClinGen allele CA377724807.
Genomic context (GRCh38, chr10:96,223,956, plus strand): 5'-GTGGAGGTGAGCCTTGCTTTCTCTGAAGGCCAGCTGGGCTTACTGGGAAGTGTCTTGCTG[A>C]AGGGTGGGGAATGCCTCTGGCTTGATCGATTGTCTTGAAAGGAACAAACAAAAAACATAA-3'
Protein context (NP_037446.1, residues 122-142): NRSSQRHSPP[Phe132Cys]SKTLPSKPSW